The following is an entry in ClinVar:

NM_001244008.2(KIF1A):c.2482G>A (p.Ala828Thr)

Gene: KIF1A (kinesin family member 1A; minus strand). Cytogenetic location: 2q37.3.
Variant type: single nucleotide variant.
Coding change: c.2482G>A on transcript NM_001244008.2 (MANE Select); coding-DNA position 2482, G replaced by A.
Protein change: p.Ala828Thr; replaces alanine 828 with threonine.
Molecular consequence: missense variant.
Genome position (GRCh38, 1-based): chr2:240,758,460, C>T on the plus strand (G>A on the coding strand, the complement: KIF1A is on the minus strand). VCF-style: chr2-240758460-C-T. GRCh37 (hg19) VCF-style: chr2-241697877-C-T.
Other names: p.Ala819Thr; c.2482G>A, p.Ala828Thr (NM_001320705.2, NM_001330289.2, NM_001379638.1); c.2557G>A, p.Ala853Thr (NM_001330290.2, NM_001379631.1, NM_001379634.1 and 2 more transcripts); c.2455G>A, p.Ala819Thr (NM_001379632.1, NM_001379633.1, NM_001379636.1 and 10 more transcripts); c.2530G>A, p.Ala844Thr (NM_001379637.1, NM_001379648.1); c.2455G>A (NM_004321.7); short protein forms A819T, A844T, A853T, A828T.
Identifiers: ClinVar variation 1411229 (VCV001411229.9), dbSNP rs780483327, ClinGen allele CA2208086.

ClinVar aggregate classification (germline): Conflicting classifications of pathogenicity. Review status: criteria provided, conflicting classifications (1 of 4 stars). 2 submissions from 2 submitters: Uncertain significance (1); Likely benign (1). Last evaluated 2025-08-30.

Conditions:
Hereditary spastic paraplegia 30. Identifiers: Orphanet 101010, MedGen C5235139, MONDO:0012476.
Neuropathy, hereditary sensory, type 2C. Also called: Hereditary sensory and autonomic neuropathy type IIC; KIF1A-Related HSAN2 (HSAN2C). Identifiers: Orphanet 970, MedGen C3280168, MONDO:0013634, OMIM 614213.
Intellectual disability, autosomal dominant 9 (NESCAVS). Also called: NESCAV SYNDROME; KIF1A-Related Neurodevelopmental Disorder. Identifiers: Orphanet 662367, MedGen C5393830, MONDO:0013656, OMIM 614255.

Allele frequency attached by ClinVar (database versions not stated): gnomAD 0.00003 and 0.00004; gnomAD exomes 0.00003 and 0.00001; TOPMed below 0.00001; ExAC 0.00001.
gnomAD v4.1: 48 of 1,607,488 alleles (0.003%); highest among the groups gnomAD compares: Non-Finnish European, 0.0039%; no homozygotes.

Submissions (2):

Mayo Clinic Laboratories, Mayo Clinic
Classification: Uncertain significance. Last evaluated: 2025-08-30. Review status: criteria provided, single submitter. Criteria: ACMG Guidelines, 2015. Collection method: clinical testing. Allele origin: germline. Observed: 1 variant allele.
Comment: PP2

Labcorp Genetics (formerly Invitae), Labcorp
Classification: Likely benign for Hereditary spastic paraplegia 30; Neuropathy, hereditary sensory, type 2C; Intellectual disability, autosomal dominant 9. Last evaluated: 2024-08-28. Review status: criteria provided, single submitter. Criteria: Invitae Variant Classification Sherloc (09022015). Collection method: clinical testing. Allele origin: germline.